The following is an entry in ClinVar:

ClinVar aggregate classification (germline): Likely benign. Review status: criteria provided, multiple submitters, no conflicts (2 of 4 stars). 3 submissions from 3 submitters: Likely benign (2). 1 of the submissions does not count toward it. Last evaluated 2025-11-27.

Conditions:
TRIM32-related disorder. Also called: TRIM32-related condition.
Bardet-Biedl syndrome (BBS). Identifiers: Orphanet 110, MedGen C0752166, MONDO:0015229.

Allele frequency attached by ClinVar (database versions not stated): ExAC 0.00001; gnomAD 0.00001; TOPMed 0.00001; gnomAD exomes 0.00002 and 0.00003.
gnomAD v4.1: 45 of 1,613,998 alleles (0.0028%); highest among the groups gnomAD compares: Non-Finnish European, 0.0035%; no homozygotes.

Submissions (3):

Labcorp Genetics (formerly Invitae), Labcorp
Classification: Likely benign for Bardet-Biedl syndrome. Last evaluated: 2025-11-27. Review status: criteria provided, single submitter. Criteria: Invitae Variant Classification Sherloc (09022015). Collection method: clinical testing. Allele origin: germline.

Blueprint Genetics
Classification: Likely benign. Last evaluated: 2022-10-26. Review status: criteria provided, single submitter. Criteria: ACMG Guidelines, 2015. Collection method: clinical testing. Allele origin: germline.

PreventionGenetics, part of Exact Sciences
Classification: Likely benign for TRIM32-related condition. Last evaluated: 2020-07-30. Review status: no assertion criteria provided. Collection method: clinical testing. Allele origin: germline. Not counted in ClinVar's aggregate classification.
Comment: This variant is classified as likely benign based on ACMG/AMP sequence variant interpretation guidelines (Richards et al. 2015 PMID: 25741868, with internal and published modifications).

NM_012210.4(TRIM32):c.681G>A (p.Leu227=)

Genes: ASTN2 (astrotactin 2; minus strand), TRIM32 (tripartite motif containing 32; plus strand). Cytogenetic location: 9q33.1.
Variant type: single nucleotide variant.
Coding change: c.681G>A on transcript NM_012210.4 (MANE Select); coding-DNA position 681, G replaced by A.
Protein change: p.Leu227=; no amino-acid change (leucine 227 retained).
Molecular consequence: synonymous variant. On other transcripts: intron variant (3).
Genome position (GRCh38, 1-based): chr9:116,698,423, G>A. VCF-style: chr9-116698423-G-A. GRCh37 (hg19) VCF-style: chr9-119460702-G-A.
Other names: c.681G>A, p.Leu227= (NM_001099679.2, NM_001379048.1, NM_001379049.1 and 1 more transcripts); c.2653+27348C>T (NM_014010.5); c.2794+27348C>T (NM_001365069.1); c.2806+27348C>T (NM_001365068.1).
Identifiers: ClinVar variation 1148202 (VCV001148202.11), dbSNP rs779933628, ClinGen allele CA5211022.